The following is an entry in ClinVar:

ClinVar aggregate classification (germline): Pathogenic/Likely pathogenic. Review status: criteria provided, multiple submitters, no conflicts (2 of 4 stars). 6 submissions from 6 submitters: Pathogenic (2); Likely pathogenic (4). Last evaluated 2026-01-27.

Conditions:
COACH syndrome 3. Identifiers: MedGen C5436841, MONDO:0030862, OMIM 619113.
Meckel syndrome, type 5 (MKS5). Identifiers: Orphanet 564, MedGen C1969052, MONDO:0012695, OMIM 611561.
Joubert syndrome 7 (JBTS7). Identifiers: Orphanet 220497, MedGen C1969053, MONDO:0012694, OMIM 611560.
RPGRIP1L-related disorder. Also called: RPGRIP1L-related disorders; RPGRIP1L-related condition. Identifiers: MedGen CN239416.
Meckel-Gruber syndrome. Also called: Dysencephalia splachnocystica; DYSENCEPHALIA SPLANCHNOCYSTICA; GRUBER SYNDROME. Identifiers: Orphanet 564, MedGen C0265215, MONDO:0018921.
Joubert syndrome. Also called: JOUBERT-BOLTSHAUSER SYNDROME; Familial aplasia of the vermis. Identifiers: Orphanet 475, MedGen C5979921, MONDO:0018772.

Allele frequency attached by ClinVar (database versions not stated): gnomAD 0.00001; TOPMed 0.00001; ExAC 0.00003.
gnomAD v4.1: 18 of 1,611,370 alleles (0.0011%); highest among the groups gnomAD compares: Non-Finnish European, 0.0015%; no homozygotes.

Submissions (6):

Labcorp Genetics (formerly Invitae), Labcorp
Classification: Pathogenic for Joubert syndrome; Meckel-Gruber syndrome. Last evaluated: 2026-01-27. Review status: criteria provided, single submitter. Criteria: Invitae Variant Classification Sherloc (09022015). Collection method: clinical testing. Allele origin: germline.
Comment: This sequence change creates a premature translational stop signal (p.Glu458*) in the RPGRIP1L gene. It is expected to result in an absent or disrupted protein product. Loss-of-function variants in RPGRIP1L are known to be pathogenic (PMID: 17558409). This variant is present in population databases (rs776941281, gnomAD 0.003%). This variant has not been reported in the literature in individuals affected with RPGRIP1L-related conditions. ClinVar contains an entry for this variant (Variation ID: 1071757). For these reasons, this variant has been classified as Pathogenic.

PreventionGenetics, part of Exact Sciences
Classification: Likely pathogenic for RPGRIP1L-related condition. Last evaluated: 2025-11-21. Review status: criteria provided, single submitter. Criteria: ACMG Guidelines, 2015. Collection method: clinical testing. Allele origin: germline.
Comment: The RPGRIP1L c.1372G>T variant is predicted to result in premature protein termination (p.Glu458*). To our knowledge, this variant has not been reported in the literature in association with RPGRIP1L-related disorders. This variant is reported in 0.0027% of alleles in individuals of European (Non-Finnish) descent in gnomAD. Nonsense variants in RPGRIP1L are expected to be pathogenic. This variant is interpreted as likely pathogenic.

Natera, Inc.
Classification: Likely pathogenic for Joubert syndrome. Last evaluated: 2025-08-28. Review status: criteria provided, single submitter. Criteria: Natera Variant Classification Schema (03/2026). Collection method: clinical testing. Allele origin: germline.
Comment: The c.1372G>T variant in RPGRIP1L is a nonsense variant predicted to introduce a stop codon at amino acid 458. This variant is expected to result in nonsense mediated decay, truncation, or a dysfunctional protein product. This variant is rare in the general population with a frequency below the threshold expected for the associated phenotype(s). Given the available evidence, this variant is classified as Likely Pathogenic.

Fulgent Genetics
Classification: Likely pathogenic for Joubert syndrome 7; Meckel syndrome, type 5; COACH syndrome 3. Last evaluated: 2022-04-11. Review status: criteria provided, single submitter. Criteria: ACMG Guidelines, 2015. Collection method: clinical testing. Allele origin: unknown.

Revvity Omics, Revvity
Classification: Pathogenic. Last evaluated: 2020-10-30. Review status: criteria provided, single submitter. Criteria: ACMG Guidelines, 2015. Collection method: clinical testing. Allele origin: germline.

GeneDx
Classification: Likely pathogenic. Last evaluated: 2020-07-02. Review status: criteria provided, single submitter. Criteria: GeneDx Variant Classification Process June 2021. Collection method: clinical testing. Allele origin: germline. Affected: yes.
Comment: Nonsense variant predicted to result in protein truncation or nonsense mediated decay in a gene for which loss-of-function is a known mechanism of disease; Not observed at a significant frequency in large population cohorts (Lek et al., 2016); Has not been previously published as pathogenic or benign to our knowledge

Literature cited by the submitters: PubMed 17558409 (cited by Labcorp Genetics (formerly Invitae), Labcorp).

NM_015272.5(RPGRIP1L):c.1372G>T (p.Glu458Ter)

Gene: RPGRIP1L (RPGRIP1 like; minus strand). Cytogenetic location: 16q12.2.
Variant type: single nucleotide variant.
Coding change: c.1372G>T on transcript NM_015272.5 (MANE Select); coding-DNA position 1372, G replaced by T.
Protein change: p.Glu458Ter; replaces glutamic acid 458 with a stop codon.
Molecular consequence: nonsense.
Genome position (GRCh38, 1-based): chr16:53,658,443, C>A on the plus strand (G>T on the coding strand, the complement: RPGRIP1L is on the minus strand). VCF-style: chr16-53658443-C-A. GRCh37 (hg19) VCF-style: chr16-53692355-C-A.
Other names: c.1372G>T (NM_015272.4); c.1372G>T, p.Glu458Ter (NM_001127897.4, NM_001308334.3, NM_001330538.2); short protein forms E458*.
Identifiers: ClinVar variation 1071757 (VCV001071757.16), dbSNP rs776941281, ClinGen allele CA8057817.
Genomic context (GRCh38, chr16:53,658,443, plus strand): 5'-ATGAAAATCACGATGAAGTTCAGAACCTTACCTTTATAAGTAGGAGAGCTTCACTCAATT[C>A]ATCAGCATTAATATCATTCTCCTGCAATAGATTAAGTAAAAGCTCACAATGAGTTATGAA-3'